The following is an entry in ClinVar:

ClinVar aggregate classification (germline): Benign. Review status: criteria provided, multiple submitters, no conflicts (2 of 4 stars). 2 submissions from 2 submitters: Benign (2). Last evaluated 2018-01-13.

Conditions:
Macular corneal dystrophy (MCD). Also called: GROENOUW TYPE II CORNEAL DYSTROPHY; Macular corneal dystrophy Type I. Identifiers: Orphanet 98969, MedGen C1636149, MONDO:0009020, OMIM 217800.

Allele frequency attached by ClinVar (database versions not stated): 1000 Genomes Project 30x 0.50656; gnomAD 0.50768 and 0.51228; 1000 Genomes Project 0.50799; TOPMed 0.50991; gnomAD exomes 0.68750.
gnomAD v4.1: 77,803 of 151,952 alleles (51%); highest among the groups gnomAD compares: Admixed American, 64%; 20,457 homozygotes.

Submissions (2):

Illumina Laboratory Services, Illumina
Classification: Benign for Macular corneal dystrophy. Last evaluated: 2018-01-13. Review status: criteria provided, single submitter. Criteria: ICSL Variant Classification Criteria 13 December 2019. Collection method: clinical testing. Allele origin: germline.
Comment: This variant was observed in the ICSL laboratory as part of a predisposition screen in an ostensibly healthy population. It had not been previously curated by ICSL or reported in the Human Gene Mutation Database (HGMD: prior to June 1st, 2018), and was therefore a candidate for classification through an automated scoring system. Utilizing variant allele frequency, disease prevalence and penetrance estimates, and inheritance mode, an automated score was calculated to assess if this variant is too frequent to cause the disease. Based on the score and internal cut-off values, a variant classified as benign is not then subjected to further curation. The score for this variant resulted in a classification of benign for this disease.

Breakthrough Genomics
Classification: Benign. Review status: criteria provided, single submitter. Criteria: ACMG Guidelines, 2015. Collection method: not provided. Allele origin: germline. Inheritance: Autosomal recessive inheritance. Affected: yes.

NM_021615.5(CHST6):c.*1566T>G

Gene: CHST6 (carbohydrate sulfotransferase 6; minus strand). Cytogenetic location: 16q23.1.
Variant type: single nucleotide variant.
Coding change: c.*1566T>G on transcript NM_021615.5 (MANE Select); 1566 bases downstream of the stop codon, T replaced by G.
Molecular consequence: 3 prime UTR variant.
Genome position (GRCh38, 1-based): chr16:75,477,075, A>C on the plus strand (T>G on the coding strand, the complement: CHST6 is on the minus strand). VCF-style: chr16-75477075-A-C. GRCh37 (hg19) VCF-style: chr16-75510973-A-C.
Identifiers: ClinVar variation 320567 (VCV000320567.6), dbSNP rs4888432, ClinGen allele CA10638397.
Genomic context (GRCh38, chr16:75,477,075, plus strand): 5'-ATTACAGGCATGAGCCACTGCATCCAGCCAAGTTACCCACTCTTAAGGTATTTTGTTATA[A>C]CCACCTGAACAAGAACAAAGACATTCTCTAAGCCATGTAGTACACATTCATAAATCTGGG-3'